The following is an entry in ClinVar:

NM_032119.4(ADGRV1):c.16066G>A (p.Val5356Ile)

Gene: ADGRV1 (adhesion G protein-coupled receptor V1; plus strand). Cytogenetic location: 5q14.3.
Variant type: single nucleotide variant.
Coding change: c.16066G>A on transcript NM_032119.4 (MANE Select); coding-DNA position 16066, G replaced by A.
Protein change: p.Val5356Ile; replaces valine 5356 with isoleucine.
Molecular consequence: missense variant. On other transcripts: non-coding transcript variant (1).
Genome position (GRCh38, 1-based): chr5:90,811,326, G>A. VCF-style: chr5-90811326-G-A. GRCh37 (hg19) VCF-style: chr5-90107143-G-A.
Other names: short protein forms V5356I.
Identifiers: ClinVar variation 844362 (VCV000844362.10), dbSNP rs748219689, ClinGen allele CA3342032.
Genomic context (GRCh38, chr5:90,811,326, plus strand): 5'-CAAGGGGGAGCACAGATTGTGGAGGAGAAGGATGATACTGGATTTGCAGCTTTTGCCATG[G>A]TTATTATTACAGGTATATCTTTGAAATGATGGAGATAAAAATATACTTTTATGGTACATA-3'
Protein context (NP_115495.3, residues 5346-5366): DDTGFAAFAM[Val5356Ile]IITGSDLHNG

ClinVar aggregate classification (germline): Conflicting classifications of pathogenicity. Review status: criteria provided, conflicting classifications (1 of 4 stars). 2 submissions from 2 submitters: Uncertain significance (1); Likely benign (1). Last evaluated 2025-08-20.

Conditions:
Inborn genetic diseases. Identifiers: MedGen C0950123, MeSH D030342.

gnomAD v4.1: 23 of 1,602,424 alleles (0.0014%); highest among the groups gnomAD compares: Non-Finnish European, 0.002%; no homozygotes.

Submissions (2):

Ambry Genetics
Classification: Likely benign for Inborn genetic diseases. Last evaluated: 2025-08-20. Review status: criteria provided, single submitter. Criteria: Ambry Variant Classification Scheme 2023. Collection method: clinical testing. Allele origin: germline.

Labcorp Genetics (formerly Invitae), Labcorp
Classification: Uncertain significance. Last evaluated: 2019-11-28. Review status: criteria provided, single submitter. Criteria: Invitae Variant Classification Sherloc (09022015). Collection method: clinical testing. Allele origin: germline.
Comment: In summary, the available evidence is currently insufficient to determine the role of this variant in disease. Therefore, it has been classified as a Variant of Uncertain Significance. Algorithms developed to predict the effect of missense changes on protein structure and function output the following: SIFT: "Tolerated"; PolyPhen-2: "Benign"; Align-GVGD: "Class C0". The isoleucine amino acid residue is found in multiple mammalian species, suggesting that this missense change does not adversely affect protein function. These predictions have not been confirmed by published functional studies and their clinical significance is uncertain. This variant has not been reported in the literature in individuals with ADGRV1-related conditions. This variant is present in population databases (rs748219689, ExAC 0.002%). This sequence change replaces valine with isoleucine at codon 5356 of the ADGRV1 protein (p.Val5356Ile). The valine residue is weakly conserved and there is a small physicochemical difference between valine and isoleucine.